The following is an entry in ClinVar:

ClinVar aggregate classification (germline): Uncertain significance (1 of 4 stars; one submission).

Allele frequency attached by ClinVar (database versions not stated): gnomAD exomes below 0.00001; ExAC 0.00001.
gnomAD v4.1: 2 of 1,614,042 alleles (0.00012%); highest among the groups gnomAD compares: Non-Finnish European, 0.00017%; no homozygotes.

Submission:

Labcorp Genetics (formerly Invitae), Labcorp
Classification: Uncertain significance. Last evaluated: 2022-08-11. Review status: criteria provided, single submitter. Criteria: Invitae Variant Classification Sherloc (09022015). Collection method: clinical testing. Allele origin: germline.
Comment: In summary, the available evidence is currently insufficient to determine the role of this variant in disease. Therefore, it has been classified as a Variant of Uncertain Significance. Algorithms developed to predict the effect of missense changes on protein structure and function (SIFT, PolyPhen-2, Align-GVGD) all suggest that this variant is likely to be tolerated. This variant has not been reported in the literature in individuals affected with XPR1-related conditions. This variant is present in population databases (rs776317784, gnomAD 0.0009%). This sequence change replaces leucine, which is neutral and non-polar, with arginine, which is basic and polar, at codon 107 of the XPR1 protein (p.Leu107Arg).

NM_004736.4(XPR1):c.320T>G (p.Leu107Arg)

Gene: XPR1 (xenotropic and polytropic retrovirus receptor 1; plus strand). Cytogenetic location: 1q25.3.
Variant type: single nucleotide variant.
Coding change: c.320T>G on transcript NM_004736.4 (MANE Select); coding-DNA position 320, T replaced by G.
Protein change: p.Leu107Arg; replaces leucine 107 with arginine.
Molecular consequence: missense variant. On other transcripts: non-coding transcript variant (1).
Genome position (GRCh38, 1-based): chr1:180,803,484, T>G. VCF-style: chr1-180803484-T-G. GRCh37 (hg19) VCF-style: chr1-180772620-T-G.
Other names: c.320T>G, p.Leu107Arg (NM_001135669.2, NM_001328662.2); short protein forms L107R.
Identifiers: ClinVar variation 1715531 (VCV001715531.5), dbSNP rs776317784, ClinGen allele CA1272529.